The following is an entry in ClinVar:

ClinVar aggregate classification (germline): Benign (1 of 4 stars; one submission).

Conditions:
Dyskeratosis congenita. Identifiers: Orphanet 1775, MedGen C0265965, MONDO:0015780.

Allele frequency attached by ClinVar (database versions not stated): 1000 Genomes Project 0.00919; 1000 Genomes Project 30x 0.00937; TOPMed 0.01421; gnomAD 0.01532 and 0.01557.

Submission:

Illumina Laboratory Services, Illumina
Classification: Benign for Dyskeratosis congenita. Last evaluated: 2018-01-13. Review status: criteria provided, single submitter. Criteria: ICSL Variant Classification Criteria 13 December 2019. Collection method: clinical testing. Allele origin: germline.
Comment: This variant was observed in the ICSL laboratory as part of a predisposition screen in an ostensibly healthy population. It had not been previously curated by ICSL or reported in the Human Gene Mutation Database (HGMD: prior to June 1st, 2018), and was therefore a candidate for classification through an automated scoring system. Utilizing variant allele frequency, disease prevalence and penetrance estimates, and inheritance mode, an automated score was calculated to assess if this variant is too frequent to cause the disease. Based on the score and internal cut-off values, a variant classified as benign is not then subjected to further curation. The score for this variant resulted in a classification of benign for this disease.

NM_025099.6(CTC1):c.*2087A>G

Gene: CTC1 (CST telomere replication complex component 1; minus strand). Cytogenetic location: 17p13.1.
Variant type: single nucleotide variant.
Coding change: c.*2087A>G on transcript NM_025099.6 (MANE Select); 2087 bases downstream of the stop codon, A replaced by G.
Molecular consequence: 3 prime UTR variant. On other transcripts: non-coding transcript variant (1).
Genome position (GRCh38, 1-based): chr17:8,226,093, T>C on the plus strand (A>G on the coding strand, the complement: CTC1 is on the minus strand). VCF-style: chr17-8226093-T-C. GRCh37 (hg19) VCF-style: chr17-8129411-T-C.
Identifiers: ClinVar variation 325995 (VCV000325995.5), dbSNP rs75503577, ClinGen allele CA10640972.